The following is an entry in ClinVar:

NM_001201543.2(FAM161A):c.112G>T (p.Ala38Ser)

Genes: FAM161A (FAM161 centrosomal protein A; minus strand), LOC129933843 (ATAC-STARR-seq lymphoblastoid active region 15839; plus strand). Cytogenetic location: 2p15.
Variant type: single nucleotide variant.
Coding change: c.112G>T on transcript NM_001201543.2 (MANE Select); coding-DNA position 112, G replaced by T.
Protein change: p.Ala38Ser; replaces alanine 38 with serine.
Molecular consequence: missense variant. On other transcripts: non-coding transcript variant (1).
Genome position (GRCh38, 1-based): chr2:61,853,930, C>A on the plus strand (G>T on the coding strand, the complement: FAM161A is on the minus strand). VCF-style: chr2-61853930-C-A. GRCh37 (hg19) VCF-style: chr2-62081065-C-A.
Other names: c.112G>T (NM_001201543.1); c.112G>T, p.Ala38Ser (NM_032180.3); short protein forms A38S.
Identifiers: ClinVar variation 1379253 (VCV001379253.6), dbSNP rs760836880, ClinGen allele CA1679446.

ClinVar aggregate classification (germline): Conflicting classifications of pathogenicity. Review status: criteria provided, conflicting classifications (1 of 4 stars). 3 submissions from 3 submitters: Uncertain significance (2); Benign (1). Last evaluated 2025-10-15.

Conditions:
FAM161A-related disorder. Also called: FAM161A-related condition.

Allele frequency attached by ClinVar (database versions not stated): gnomAD exomes 0.00019; ExAC 0.00022; gnomAD 0.00003; TOPMed 0.00014.
gnomAD v4.1: 56 of 1,613,792 alleles (0.0035%); highest among the groups gnomAD compares: Admixed American, 0.093%; no homozygotes.

Submissions (3):

PreventionGenetics, part of Exact Sciences
Classification: Uncertain significance for FAM161A-related condition. Last evaluated: 2025-10-15. Review status: criteria provided, single submitter. Criteria: ACMG Guidelines, 2015. Collection method: clinical testing. Allele origin: germline.
Comment: The FAM161A c.112G>T variant is predicted to result in the amino acid substitution p.Ala38Ser. To our knowledge, this variant has not been reported in the literature. This variant is reported in 0.13% of alleles in individuals of Latino descent in gnomAD, which is likely too frequent to be a primary cause of disease. Although we suspect that this variant may be benign, at this time, the clinical significance of this variant is uncertain due to the absence of conclusive functional and genetic evidence.

Labcorp Genetics (formerly Invitae), Labcorp
Classification: Uncertain significance. Last evaluated: 2024-10-24. Review status: criteria provided, single submitter. Criteria: Invitae Variant Classification Sherloc (09022015). Collection method: clinical testing. Allele origin: germline.
Comment: This sequence change replaces alanine, which is neutral and non-polar, with serine, which is neutral and polar, at codon 38 of the FAM161A protein (p.Ala38Ser). This variant is present in population databases (rs760836880, gnomAD 0.1%). This variant has not been reported in the literature in individuals affected with FAM161A-related conditions. ClinVar contains an entry for this variant (Variation ID: 1379253). Invitae Evidence Modeling of protein sequence and biophysical properties (such as structural, functional, and spatial information, amino acid conservation, physicochemical variation, residue mobility, and thermodynamic stability) indicates that this missense variant is not expected to disrupt FAM161A protein function with a negative predictive value of 80%. In summary, the available evidence is currently insufficient to determine the role of this variant in disease. Therefore, it has been classified as a Variant of Uncertain Significance.

Blueprint Genetics
Classification: Benign. Last evaluated: 2023-10-23. Review status: criteria provided, single submitter. Criteria: ACMG Guidelines, 2015. Collection method: clinical testing. Allele origin: germline.